The following is an entry in ClinVar:

ClinVar aggregate classification (germline): Uncertain significance. Review status: criteria provided, multiple submitters, no conflicts (2 of 4 stars). 2 submissions from 2 submitters: Uncertain significance (2). Last evaluated 2025-12-19.

Conditions:
Inborn genetic diseases. Identifiers: MedGen C0950123, MeSH D030342.

Allele frequency attached by ClinVar (database versions not stated): gnomAD 0.00002; gnomAD exomes 0.00002; ExAC 0.00004.

Submissions (2):

Labcorp Genetics (formerly Invitae), Labcorp
Classification: Uncertain significance. Last evaluated: 2025-12-19. Review status: criteria provided, single submitter. Criteria: Invitae Variant Classification Sherloc (09022015). Collection method: clinical testing. Allele origin: germline.
Comment: This sequence change replaces threonine, which is neutral and polar, with methionine, which is neutral and non-polar, at codon 366 of the TCF3 protein (p.Thr366Met). The frequency data for this variant in the population databases is considered unreliable, as metrics indicate poor data quality at this position in the gnomAD database. This variant has not been reported in the literature in individuals affected with TCF3-related conditions. ClinVar contains an entry for this variant (Variation ID: 1355656). Invitae Evidence Modeling of protein sequence and biophysical properties (such as structural, functional, and spatial information, amino acid conservation, physicochemical variation, residue mobility, and thermodynamic stability) has been performed for this missense variant. However, the output from this modeling did not meet the statistical confidence thresholds required to predict the impact of this variant on TCF3 protein function. In summary, the available evidence is currently insufficient to determine the role of this variant in disease. Therefore, it has been classified as a Variant of Uncertain Significance.

Ambry Genetics
Classification: Uncertain significance for Inborn genetic diseases. Last evaluated: 2024-10-11. Review status: criteria provided, single submitter. Criteria: Ambry Variant Classification Scheme 2023. Collection method: clinical testing. Allele origin: germline.

NM_003200.5(TCF3):c.1097C>T (p.Thr366Met)

Gene: TCF3 (transcription factor 3; minus strand). Cytogenetic location: 19p13.3.
Variant type: single nucleotide variant.
Coding change: c.1097C>T on transcript NM_003200.5 (MANE Select); coding-DNA position 1097, C replaced by T.
Protein change: p.Thr366Met; replaces threonine 366 with methionine.
Molecular consequence: missense variant.
Genome position (GRCh38, 1-based): chr19:1,619,850, G>A on the plus strand (C>T on the coding strand, the complement: TCF3 is on the minus strand). VCF-style: chr19-1619850-G-A. GRCh37 (hg19) VCF-style: chr19-1619849-G-A.
Other names: c.1097C>T, p.Thr366Met (NM_001136139.4, NM_001351778.2, NM_001351779.2); c.1097C>T (NM_003200.3); short protein forms T366M.
Identifiers: ClinVar variation 1355656 (VCV001355656.8), dbSNP rs758087547, ClinGen allele CA9050050.
Genomic context (GRCh38, chr19:1,619,850, plus strand): 5'-AGACCCCCGTCGTAGCTGGGCGATAAGGCACCGGGGGCTCCTGCTCGAGGCCACTGTGAC[G>A]TTCCTGGAAGGGAGTGGGGACGTGAATGGGGTGCGAGGGGCGGGGTGTGAGCATGGCCTG-3'
Protein context (NP_003191.1, residues 356-376): PVGSPQGLAG[Thr366Met]SQWPRAGAPG